The following is an entry in ClinVar:

ClinVar aggregate classification (germline): Uncertain significance (1 of 4 stars; one submission).

Conditions:
Inborn genetic diseases. Identifiers: MedGen C0950123, MeSH D030342.

Submission:

Ambry Genetics
Classification: Uncertain significance for Inborn genetic diseases. Last evaluated: 2026-07-05. Review status: criteria provided, single submitter. Criteria: Ambry Variant Classification Scheme 2023. Collection method: clinical testing. Allele origin: germline.
Comment: The p.T234N variant (also known as c.701C>A), located in coding exon 5 of the MECOM gene, results from a C to A substitution at nucleotide position 701. The threonine at codon 234 is replaced by asparagine, an amino acid with similar properties. This amino acid position is conserved. In addition, this alteration is predicted to be tolerated by in silico analysis. Based on the available evidence, the clinical significance of this variant remains unclear.

NM_004991.4(MECOM):c.701C>A (p.Thr234Asn)

Gene: MECOM (MDS1 and EVI1 complex locus; minus strand). Cytogenetic location: 3q26.2.
Variant type: single nucleotide variant.
Coding change: c.701C>A on transcript NM_004991.4 (MANE Select); coding-DNA position 701, C replaced by A.
Protein change: p.Thr234Asn; replaces threonine 234 with asparagine.
Molecular consequence: missense variant.
Genome position (GRCh38, 1-based): chr3:169,127,973, G>T on the plus strand (C>A on the coding strand, the complement: MECOM is on the minus strand). VCF-style: chr3-169127973-G-T. GRCh37 (hg19) VCF-style: chr3-168845761-G-T.
Other names: c.137C>A, p.Thr46Asn (NM_001366467.2, NM_001366468.2, NM_001366469.2 and 9 more transcripts); c.701C>A, p.Thr234Asn (NM_001366473.2, NM_001366466.2); c.329C>A, p.Thr110Asn (NM_001105077.4); short protein forms T110N, T46N, T234N.
Identifiers: ClinVar variation 5024129 (VCV005024129.1).